The following is an entry in ClinVar:

NM_001242896.3(DEPDC5):c.3761G>T (p.Gly1254Val)

Gene: DEPDC5 (DEP domain containing 5, GATOR1 subcomplex subunit; plus strand). Cytogenetic location: 22q12.3.
Variant type: single nucleotide variant.
Coding change: c.3761G>T on transcript NM_001242896.3 (MANE Select); coding-DNA position 3761, G replaced by T.
Protein change: p.Gly1254Val; replaces glycine 1254 with valine.
Molecular consequence: missense variant. On other transcripts: non-coding transcript variant (2).
Genome position (GRCh38, 1-based): chr22:31,876,221, G>T. VCF-style: chr22-31876221-G-T. GRCh37 (hg19) VCF-style: chr22-32272207-G-T.
Other names: c.3734G>T, p.Gly1245Val (NM_001136029.4); c.3461G>T, p.Gly1154Val (NM_001242897.2); c.3695G>T, p.Gly1232Val (NM_001363852.2, NM_001364320.2); c.3527G>T, p.Gly1176Val (NM_001363854.2, NM_001364319.2); c.3761G>T, p.Gly1254Val (NM_001364318.2); c.3677G>T, p.Gly1226Val (NM_001369901.1, NM_001369902.1); c.3668G>T, p.Gly1223Val (NM_001369903.1, NM_014662.6); short protein forms G1154V, G1176V, G1223V, G1245V, G1254V, G1226V, G1232V.
Identifiers: ClinVar variation 3654373 (VCV003654373.2).
Genomic context (GRCh38, chr22:31,876,221, plus strand): 5'-TGCTGGAAGAGCAGCTCATCACACATGCATCTGGCGAAGCCTGGCGGACCTTCATCTACG[G>T]CTTCTATTTCTACAAGATAGTAACGGACAAAGAGCCCGACCGAGGTTAGAGCCGAGGCGA-3'
Protein context (NP_001229825.1, residues 1244-1264): SGEAWRTFIY[Gly1254Val]FYFYKIVTDK

ClinVar aggregate classification (germline): Uncertain significance (1 of 4 stars; one submission).

Conditions:
Familial focal epilepsy with variable foci (FPEVF). Identifiers: Orphanet 98820, MedGen C1858477, MONDO:0020310.

gnomAD v4.1: 1 of 1,614,032 alleles (0.000062%); highest among the groups gnomAD compares: Non-Finnish European, 0.000085%; no homozygotes.

Submission:

Labcorp Genetics (formerly Invitae), Labcorp
Classification: Uncertain significance for Familial focal epilepsy with variable foci. Last evaluated: 2024-05-23. Review status: criteria provided, single submitter. Criteria: Invitae Variant Classification Sherloc (09022015). Collection method: clinical testing. Allele origin: germline.
Comment: This sequence change replaces glycine, which is neutral and non-polar, with valine, which is neutral and non-polar, at codon 1254 of the DEPDC5 protein (p.Gly1254Val). This variant is not present in population databases (gnomAD no frequency). This variant has not been reported in the literature in individuals affected with DEPDC5-related conditions. Experimental studies and prediction algorithms are not available or were not evaluated, and the functional significance of this variant is currently unknown. In summary, the available evidence is currently insufficient to determine the role of this variant in disease. Therefore, it has been classified as a Variant of Uncertain Significance.